The following is an entry in ClinVar:

NM_000179.3(MSH6):c.3953G>A (p.Arg1318Lys)

Gene: MSH6 (mutS homolog 6; plus strand). Cytogenetic location: 2p16.3.
Variant type: single nucleotide variant.
Coding change: c.3953G>A on transcript NM_000179.3 (MANE Select); coding-DNA position 3953, G replaced by A.
Protein change: p.Arg1318Lys; replaces arginine 1318 with lysine.
Molecular consequence: missense variant.
Genome position (GRCh38, 1-based): chr2:47,806,603, G>A. VCF-style: chr2-47806603-G-A. GRCh37 (hg19) VCF-style: chr2-48033742-G-A.
Other names: c.3563G>A, p.Arg1188Lys (NM_001281492.2); c.3047G>A, p.Arg1016Lys (NM_001281493.2, NM_001281494.2); short protein forms R1016K, R1188K, R1318K.
Identifiers: ClinVar variation 861653 (VCV000861653.11), dbSNP rs946147823, ClinGen allele CA46719858.

ClinVar aggregate classification (germline): Conflicting classifications of pathogenicity. Review status: criteria provided, conflicting classifications (1 of 4 stars). 3 submissions from 3 submitters: Uncertain significance (2); Benign (1). Last evaluated 2026-01-14.

Conditions:
Hereditary nonpolyposis colorectal neoplasms. Identifiers: MedGen C0009405, MeSH D003123.
Hereditary cancer-predisposing syndrome. Also called: Tumor predisposition; Hereditary neoplastic syndrome; Neoplastic Syndromes, Hereditary; Hereditary Cancer Syndrome. Identifiers: Orphanet 140162, MedGen C0027672, MeSH D009386, MONDO:0015356.

Allele frequency attached by ClinVar (database versions not stated): TOPMed below 0.00001.

Submissions (3):

Labcorp Genetics (formerly Invitae), Labcorp
Classification: Benign for Hereditary nonpolyposis colorectal neoplasms. Last evaluated: 2026-01-14. Review status: criteria provided, single submitter. Criteria: Invitae Variant Classification Sherloc (09022015). Collection method: clinical testing. Allele origin: germline.

Color Diagnostics, LLC DBA Color Health
Classification: Uncertain significance for Hereditary cancer-predisposing syndrome. Last evaluated: 2024-03-26. Review status: criteria provided, single submitter. Criteria: ACMG Guidelines, 2015. Collection method: clinical testing. Allele origin: germline.
Comment: This missense variant replaces arginine with lysine at codon 1318 of the MSH6 protein. Computational prediction suggests that this variant may not impact protein structure and function (internally defined REVEL score threshold <= 0.5, PMID: 27666373). To our knowledge, functional studies have not been reported for this variant. This variant has not been reported in individuals affected with MSH6-related disorders in the literature. This variant has not been identified in the general population by the Genome Aggregation Database (gnomAD). The available evidence is insufficient to determine the role of this variant in disease conclusively. Therefore, this variant is classified as a Variant of Uncertain Significance.

Ambry Genetics
Classification: Uncertain significance for Hereditary cancer-predisposing syndrome. Last evaluated: 2022-07-14. Review status: criteria provided, single submitter. Criteria: Ambry Variant Classification Scheme 2023. Collection method: clinical testing. Allele origin: germline.
Comment: The p.R1318K variant (also known as c.3953G>A), located in coding exon 9 of the MSH6 gene, results from a G to A substitution at nucleotide position 3953. The arginine at codon 1318 is replaced by lysine, an amino acid with highly similar properties. This amino acid position is not well conserved in available vertebrate species. In addition, this alteration is predicted to be tolerated by in silico analysis. Since supporting evidence is limited at this time, the clinical significance of this alteration remains unclear.